The following is an entry in ClinVar:

ClinVar aggregate classification (germline): Uncertain significance (1 of 4 stars; one submission).

Conditions:
Hereditary cancer-predisposing syndrome. Also called: Neoplastic Syndromes, Hereditary; Tumor predisposition; Hereditary neoplastic syndrome; Hereditary Cancer Syndrome. Identifiers: Orphanet 140162, MedGen C0027672, MeSH D009386, MONDO:0015356.

Submission:

Ambry Genetics
Classification: Uncertain significance for Hereditary cancer-predisposing syndrome. Last evaluated: 2026-07-07. Review status: criteria provided, single submitter. Criteria: Ambry Variant Classification Scheme 2023. Collection method: clinical testing. Allele origin: germline.
Comment: The p.K454I variant (also known as c.1361A>T), located in coding exon 9 of the BRCA2 gene, results from an A to T substitution at nucleotide position 1361. The lysine at codon 454 is replaced by isoleucine, an amino acid with dissimilar properties. This amino acid position is conserved. In addition, this alteration is predicted to be tolerated by in silico analysis. Based on the available evidence, the clinical significance of this variant remains unclear.

NM_000059.4(BRCA2):c.1361A>T (p.Lys454Ile)

Gene: BRCA2 (BRCA2 DNA repair associated; plus strand). Cytogenetic location: 13q13.1.
Variant type: single nucleotide variant.
Coding change: c.1361A>T on transcript NM_000059.4 (MANE Select); coding-DNA position 1361, A replaced by T.
Protein change: p.Lys454Ile; replaces lysine 454 with isoleucine.
Molecular consequence: missense variant. On other transcripts: non-coding transcript variant (1), intron variant (1).
Genome position (GRCh38, 1-based): chr13:32,332,839, A>T. VCF-style: chr13-32332839-A-T. GRCh37 (hg19) VCF-style: chr13-32906976-A-T.
Other names: c.1361A>T, p.Lys454Ile (NM_001406719.1, NM_001406720.1, NM_001406721.1 and 1 more transcripts); c.424+1809A>T (NM_001406722.1); short protein forms K454I.
Identifiers: ClinVar variation 5033296 (VCV005033296.1).